The following is an entry in ClinVar:

ClinVar aggregate classification (germline): Benign/Likely benign. Review status: criteria provided, multiple submitters, no conflicts (2 of 4 stars). 4 submissions from 4 submitters: Benign (1); Likely benign (3). Last evaluated 2025-05-04.

Conditions:
Hereditary cancer-predisposing syndrome. Also called: Hereditary Cancer Syndrome; Hereditary neoplastic syndrome; Neoplastic Syndromes, Hereditary; Tumor predisposition. Identifiers: Orphanet 140162, MedGen C0027672, MeSH D009386, MONDO:0015356.
POLD1-related polyposis and colorectal cancer syndrome (CRCS10). Also called: Colorectal cancer 10; COLORECTAL CANCER, SUSCEPTIBILITY TO, ON CHROMOSOME 19q; Colorectal cancer, susceptibility to, 10. Identifiers: Orphanet 220460, MedGen C2675481, MONDO:0012953, OMIM 612591.

Submissions (4):

Labcorp Genetics (formerly Invitae), Labcorp
Classification: Likely benign for POLD1-related polyposis and colorectal cancer syndrome. Last evaluated: 2025-05-04. Review status: criteria provided, single submitter. Criteria: Invitae Variant Classification Sherloc (09022015). Collection method: clinical testing. Allele origin: germline.

Myriad Genetics, Inc.
Classification: Benign for POLD1-related polyposis and colorectal cancer syndrome. Last evaluated: 2025-02-06. Review status: criteria provided, single submitter. Criteria: Myriad Autosomal Dominant, Autosomal Recessive and X-Linked Classification Criteria (2023). Collection method: clinical testing. Allele origin: unknown.
Comment: This variant is considered benign. This variant is a silent/synonymous amino acid change and it is not expected to impact splicing.

Ambry Genetics
Classification: Likely benign for Hereditary cancer-predisposing syndrome. Last evaluated: 2024-04-12. Review status: criteria provided, single submitter. Criteria: Ambry Variant Classification Scheme 2023. Collection method: clinical testing. Allele origin: germline.

Blueprint Genetics
Classification: Likely benign. Last evaluated: 2022-05-06. Review status: criteria provided, single submitter. Criteria: ACMG Guidelines, 2015. Collection method: clinical testing. Allele origin: germline.

NM_002691.4(POLD1):c.1245A>G (p.Val415=)

Gene: POLD1 (DNA polymerase delta 1, catalytic subunit; plus strand). Cytogenetic location: 19q13.33.
Variant type: single nucleotide variant.
Coding change: c.1245A>G on transcript NM_002691.4 (MANE Select); coding-DNA position 1245, A replaced by G.
Protein change: p.Val415=; no amino-acid change (valine 415 retained).
Molecular consequence: synonymous variant. On other transcripts: non-coding transcript variant (1).
Genome position (GRCh38, 1-based): chr19:50,406,184, A>G. VCF-style: chr19-50406184-A-G. GRCh37 (hg19) VCF-style: chr19-50909441-A-G.
Other names: c.1245A>G (NM_002691.2); c.1245A>G, p.Val415= (NM_001256849.1, NM_001308632.1).
Identifiers: ClinVar variation 1561884 (VCV001561884.11), dbSNP rs2122316070, ClinGen allele CA508183827.